The following is an entry in ClinVar:

ClinVar aggregate classification (germline): Uncertain significance (1 of 4 stars; one submission).

Conditions:
Cardiovascular phenotype. Identifiers: MedGen CN230736.

Submission:

Molecular Diagnostic Laboratory for Inherited Cardiovascular Disease, Montreal Heart Institute
Classification: Uncertain significance for Cardiovascular phenotype. Last evaluated: 2025-07-24. Review status: criteria provided, single submitter. Criteria: ACMG Guidelines, 2015. Collection method: clinical testing. Allele origin: germline. Affected: yes.
Comment: PM1, PP2, PP3

NM_001276345.2(TNNT2):c.315G>A (p.Met105Ile)

Gene: TNNT2 (troponin T2, cardiac type; minus strand). Cytogenetic location: 1q32.1.
Variant type: single nucleotide variant.
Coding change: c.315G>A on transcript NM_001276345.2 (MANE Select); coding-DNA position 315, G replaced by A.
Protein change: p.Met105Ile; replaces methionine 105 with isoleucine.
Molecular consequence: missense variant. On other transcripts: intron variant (1).
Genome position (GRCh38, 1-based): chr1:201,365,287, C>T on the plus strand (G>A on the coding strand, the complement: TNNT2 is on the minus strand). VCF-style: chr1-201365287-C-T. GRCh37 (hg19) VCF-style: chr1-201334415-C-T.
Other names: c.285G>A, p.Met95Ile (NM_001276347.2, NM_001406724.1, NM_001406726.1 and 3 more transcripts); c.315G>A, p.Met105Ile (NM_001406723.1, NM_000364.4); c.282G>A, p.Met94Ile (NM_001406725.1); c.270G>A, p.Met90Ile (NM_001406728.1, NM_001001432.3); c.291+323G>A (NM_001276346.2); short protein forms M105I, M90I, M94I, M95I.
Identifiers: ClinVar variation 4076474 (VCV004076474.1).